The following is an entry in ClinVar:

ClinVar aggregate classification (germline): Uncertain significance (1 of 4 stars; one submission).

Allele frequency attached by ClinVar (database versions not stated): ExAC 0.00001; gnomAD 0.00001; TOPMed 0.00001; gnomAD exomes 0.00002.
gnomAD v4.1: 18 of 1,208,054 alleles (0.0015%); highest among the groups gnomAD compares: East Asian, 0.012%; no homozygotes.

Submission:

Labcorp Genetics (formerly Invitae), Labcorp
Classification: Uncertain significance. Last evaluated: 2022-10-06. Review status: criteria provided, single submitter. Criteria: Invitae Variant Classification Sherloc (09022015). Collection method: clinical testing. Allele origin: germline.
Comment: This sequence change replaces arginine, which is basic and polar, with glutamine, which is neutral and polar, at codon 171 of the TBC1D8B protein (p.Arg171Gln). The frequency data for this variant in the population databases is considered unreliable, as metrics indicate poor data quality at this position in the gnomAD database. This variant has not been reported in the literature in individuals affected with TBC1D8B-related conditions. Algorithms developed to predict the effect of missense changes on protein structure and function are either unavailable or do not agree on the potential impact of this missense change (SIFT: "Tolerated"; PolyPhen-2: "Probably Damaging"; Align-GVGD: "Class C0"). In summary, the available evidence is currently insufficient to determine the role of this variant in disease. Therefore, it has been classified as a Variant of Uncertain Significance.

NM_017752.3(TBC1D8B):c.512G>A (p.Arg171Gln)

Gene: TBC1D8B (TBC1 domain family member 8B; plus strand). Cytogenetic location: Xq22.3.
Variant type: single nucleotide variant.
Coding change: c.512G>A on transcript NM_017752.3 (MANE Select); coding-DNA position 512, G replaced by A.
Protein change: p.Arg171Gln; replaces arginine 171 with glutamine.
Molecular consequence: missense variant.
Genome position (GRCh38, 1-based): chrX:106,822,128, G>A. VCF-style: chrX-106822128-G-A. GRCh37 (hg19) VCF-style: chrX-106065358-G-A.
Other names: c.512G>A, p.Arg171Gln (NM_198881.2); short protein forms R171Q.
Identifiers: ClinVar variation 2182783 (VCV002182783.4), dbSNP rs757881328, ClinGen allele CA10482965.
Genomic context (GRCh38, chrX:106,822,128, plus strand): 5'-TTGGTTTACCAGAGAAGGAGAAGTTAGTGACCTATTATTCATGCAGTTATTGGAAAGGAC[G>A]GGTTCCTTGTCAGGGTTGGCTTTATCTTAGCACCAACTTTCTGAGCTTCTATTCTTTTTT-3'
Protein context (NP_060222.2, residues 161-181): TYYSCSYWKG[Arg171Gln]VPCQGWLYLS